The following is an entry in ClinVar:

ClinVar aggregate classification (germline): Uncertain significance. Review status: criteria provided, multiple submitters, no conflicts (2 of 4 stars). 2 submissions from 2 submitters: Uncertain significance (2). Last evaluated 2026-01-15.

Conditions:
Amyotrophic lateral sclerosis type 1 (ALS1). Also called: AMYOTROPHIC LATERAL SCLEROSIS 1, FAMILIAL. Identifiers: Orphanet 803, MedGen C1862939, MONDO:0007103, OMIM 105400.
Perry syndrome. Also called: PARKINSONISM WITH ALVEOLAR HYPOVENTILATION AND MENTAL DEPRESSION. Identifiers: Orphanet 178509, MedGen C1868594, MONDO:0008201, OMIM 168605.
Neuronopathy, distal hereditary motor, type 7B. Also called: HMN VIIB; LOWER MOTOR NEURON DISEASE, DYNACTIN TYPE; Distal Hereditary Motor Neuronopathy Type 7B (dHMN7B); NEURONOPATHY, DISTAL HEREDITARY MOTOR, AUTOSOMAL DOMINANT 14; NEURONOPATHY, DISTAL HEREDITARY MOTOR, HARDING TYPE VIIB; NEUROPATHY, DISTAL HEREDITARY MOTOR, HARDING TYPE VIIB. Identifiers: Orphanet 139589, MedGen C1843315, MONDO:0011879, OMIM 607641.
Inborn genetic diseases. Identifiers: MedGen C0950123, MeSH D030342.

Allele frequency attached by ClinVar (database versions not stated): gnomAD exomes 0.00001; TOPMed 0.00001; ExAC 0.00002; gnomAD 0.00001.
gnomAD v4.1: 13 of 1,613,986 alleles (0.00081%); highest among the groups gnomAD compares: South Asian, 0.0066%; no homozygotes.

Submissions (2):

Labcorp Genetics (formerly Invitae), Labcorp
Classification: Uncertain significance for Amyotrophic lateral sclerosis type 1; Neuronopathy, distal hereditary motor, type 7B; Perry syndrome. Last evaluated: 2026-01-15. Review status: criteria provided, single submitter. Criteria: Invitae Variant Classification Sherloc (09022015). Collection method: clinical testing. Allele origin: germline.
Comment: This sequence change replaces arginine, which is basic and polar, with tryptophan, which is neutral and slightly polar, at codon 916 of the DCTN1 protein (p.Arg916Trp). This variant is present in population databases (rs763956654, gnomAD 0.01%). This variant has not been reported in the literature in individuals affected with DCTN1-related conditions. ClinVar contains an entry for this variant (Variation ID: 1795487). Invitae Evidence Modeling of protein sequence and biophysical properties (such as structural, functional, and spatial information, amino acid conservation, physicochemical variation, residue mobility, and thermodynamic stability) indicates that this missense variant is not expected to disrupt DCTN1 protein function with a negative predictive value of 95%. In summary, the available evidence is currently insufficient to determine the role of this variant in disease. Therefore, it has been classified as a Variant of Uncertain Significance.

Ambry Genetics
Classification: Uncertain significance for Inborn genetic diseases. Last evaluated: 2020-04-13. Review status: criteria provided, single submitter. Criteria: Ambry Variant Classification Scheme 2023. Collection method: clinical testing. Allele origin: germline.
Comment: The p.R916W variant (also known as c.2746C>T), located in coding exon 23 of the DCTN1 gene, results from a C to T substitution at nucleotide position 2746. The arginine at codon 916 is replaced by tryptophan, an amino acid with dissimilar properties. This amino acid position is not well conserved in available vertebrate species. In addition, the in silico prediction for this alteration is inconclusive. Since supporting evidence is limited at this time, the clinical significance of this alteration remains unclear.

NM_004082.5(DCTN1):c.2746C>T (p.Arg916Trp)

Gene: DCTN1 (dynactin subunit 1; minus strand). Cytogenetic location: 2p13.1.
Variant type: single nucleotide variant.
Coding change: c.2746C>T on transcript NM_004082.5 (MANE Select); coding-DNA position 2746, C replaced by T.
Protein change: p.Arg916Trp; replaces arginine 916 with tryptophan.
Molecular consequence: missense variant. On other transcripts: non-coding transcript variant (1).
Genome position (GRCh38, 1-based): chr2:74,366,258, G>A on the plus strand (C>T on the coding strand, the complement: DCTN1 is on the minus strand). VCF-style: chr2-74366258-G-A. GRCh37 (hg19) VCF-style: chr2-74593385-G-A.
Other names: c.2686C>T, p.Arg896Trp (NM_001135040.3); c.2344C>T, p.Arg782Trp (NM_001135041.3, NM_023019.4); c.2635C>T, p.Arg879Trp (NM_001190836.2); c.2725C>T, p.Arg909Trp (NM_001190837.2); c.2695C>T, p.Arg899Trp (NM_001378991.1); c.2677C>T, p.Arg893Trp (NM_001378992.1); short protein forms R896W, R916W, R879W, R893W, R899W, R909W, R782W.
Identifiers: ClinVar variation 1795487 (VCV001795487.3), dbSNP rs763956654, ClinGen allele CA1721751.